The following is an entry in ClinVar:

ClinVar aggregate classification (germline): Pathogenic (1 of 4 stars; one submission).

Conditions:
Ehlers-Danlos syndrome, kyphoscoliotic type 1 (EDSKSCL1). Also called: Ehlers-Danlos syndrome, hydroxylysine-deficient; EHLERS-DANLOS SYNDROME, OCULAR-SCOLIOTIC TYPE; PLOD1-Related Kyphoscoliotic Ehlers-Danlos Syndrome; EHLERS-DANLOS SYNDROME, TYPE VIA. Identifiers: Orphanet 1900, MedGen C0268342, MONDO:0016002, OMIM 225400. Disease mechanism: loss of function.

Submission:

Labcorp Genetics (formerly Invitae), Labcorp
Classification: Pathogenic for Ehlers-Danlos syndrome, kyphoscoliotic type 1. Last evaluated: 2026-01-16. Review status: criteria provided, single submitter. Criteria: Invitae Variant Classification Sherloc (09022015). Collection method: clinical testing. Allele origin: germline.
Comment: This sequence change creates a premature translational stop signal (p.Gln590Glyfs*15) in the PLOD1 gene. It is expected to result in an absent or disrupted protein product. Loss-of-function variants in PLOD1 are known to be pathogenic (PMID: 10874315, 21699693). This variant is not present in population databases (gnomAD no frequency). This variant has not been reported in the literature in individuals affected with PLOD1-related conditions. ClinVar contains an entry for this variant (Variation ID: 2957936). For these reasons, this variant has been classified as Pathogenic.

Literature cited by the submitters: PubMed 10874315; PubMed 21699693.

NM_000302.4(PLOD1):c.1756-1_1767dup

Gene: PLOD1 (procollagen-lysine,2-oxoglutarate 5-dioxygenase 1; plus strand). Cytogenetic location: 1p36.22.
Variant type: Duplication.
Coding change: c.1756-1_1767dup on transcript NM_000302.4 (MANE Select); the canonical splice acceptor site of the intron before coding-DNA position 1756 through coding-DNA position 1767, 13 bases duplicated (GGACAACCGCATC).
Molecular consequence: splice acceptor variant.
Genome position (GRCh38, 1-based): chr1:11,970,669-11,970,681, GGACAACCGCATC duplicated. VCF-style (leftmost placement, unchanged base first): chr1-11970668-A-AGGACAACCGCATC. GRCh37 (hg19) VCF-style: chr1-12030725-A-AGGACAACCGCATC.
Other names: c.1897-1_1908dup (NM_001316320.2).
Identifiers: ClinVar variation 2957936 (VCV002957936.3), dbSNP rs2522874604, ClinGen allele CA2740090593.